The following is an entry in ClinVar:

GRCh37/hg19 2q37.2-37.3(chr2:235790256-242783384)x1

Genes: ACKR3 (atypical chemokine receptor 3; plus strand), AGAP1 (ArfGAP with GTPase domain, ankyrin repeat and PH domain 1; plus strand), AGXT (alanine--glyoxylate aminotransferase; plus strand), ANKMY1 (ankyrin repeat and MYND domain containing 1; minus strand), ANO7 (anoctamin 7; plus strand) and 56 more. Cytogenetic location: 2q37.2-37.3.
Variant type: copy number loss.
Change: copy number 1 (one copy instead of two) of chr2:235,790,256-242,783,384 (6.99 Mb, GRCh37 coordinates, 1-based), cytogenetic band 2q37.2-37.3.
Identifiers: ClinVar variation 562671 (VCV000562671.3).

ClinVar aggregate classification (germline): Pathogenic (1 of 4 stars; one submission).

Submission:

Quest Diagnostics Nichols Institute San Juan Capistrano
Classification: Pathogenic. Last evaluated: 2024-03-18. Review status: criteria provided, single submitter. Criteria: ACMG/ClinGen CNV Guidelines, 2019. Collection method: clinical testing. Allele origin: unknown.
Comment: This loss is consistent with the 2q37 deletion syndromic region (OMIM 600430; ISCA-37394; Gavril 2023, Le 2019). There are no similar copy number losses spanning this region in the general populations of the Database of Genomic Variants. Thus, this copy number variant (CNV) is classified as pathogenic. References: Gavril et al., Genes (Basel). 2023 Feb 11;14(2):465. PMID: 36833393; Le et al., Am J Med Genet A. 2019 May;179(5):782-791. PMID: 30848064